The following is an entry in ClinVar:

NM_000284.4(PDHA1):c.1083G>A (p.Leu361=)

Gene: PDHA1 (pyruvate dehydrogenase E1 subunit alpha 1; plus strand). Cytogenetic location: Xp22.12.
Variant type: single nucleotide variant.
Coding change: c.1083G>A on transcript NM_000284.4 (MANE Select); coding-DNA position 1083, G replaced by A.
Protein change: p.Leu361=; no amino-acid change (leucine 361 retained).
Molecular consequence: synonymous variant.
Genome position (GRCh38, 1-based): chrX:19,359,563, G>A. VCF-style: chrX-19359563-G-A. GRCh37 (hg19) VCF-style: chrX-19377681-G-A.
Other names: c.1197G>A (NM_001173454.1); c.1197G>A, p.Leu399= (NM_001173454.2); c.1104G>A, p.Leu368= (NM_001173455.2); c.990G>A, p.Leu330= (NM_001173456.2).
Identifiers: ClinVar variation 1597814 (VCV001597814.9), dbSNP rs745312753, ClinGen allele CA10363210.

ClinVar aggregate classification (germline): Likely benign. Review status: criteria provided, multiple submitters, no conflicts (2 of 4 stars). 2 submissions from 2 submitters: Likely benign (2). Last evaluated 2025-12-23.

Conditions:
PDHA1-related disorder. Also called: PDHA1-related condition.
Pyruvate dehydrogenase E1-alpha deficiency (PDHAD). Also called: Ataxia, intermittent, with pyruvate dehydrogenase, or decarboxylase, deficiency; ATAXIA, INTERMITTENT, WITH PYRUVATE DEHYDROGENASE DEFICIENCY; ATAXIA WITH LACTIC ACIDOSIS I; ATAXIA, INTERMITTENT, WITH ABNORMAL PYRUVATE METABOLISM. Identifiers: Orphanet 79243, MedGen C1839413, MONDO:0010717, OMIM 312170.

Allele frequency attached by ClinVar (database versions not stated): gnomAD exomes below 0.00001 and 0.00001; ExAC 0.00001.
gnomAD v4.1: 4 of 1,210,028 alleles (0.00033%); highest among the groups gnomAD compares: African/African-American, 0.0017%; no homozygotes.

Submissions (2):

Labcorp Genetics (formerly Invitae), Labcorp
Classification: Likely benign for Pyruvate dehydrogenase E1-alpha deficiency. Last evaluated: 2025-12-23. Review status: criteria provided, single submitter. Criteria: Invitae Variant Classification Sherloc (09022015). Collection method: clinical testing. Allele origin: germline.

PreventionGenetics, part of Exact Sciences
Classification: Likely benign for PDHA1-related condition. Last evaluated: 2025-03-20. Review status: criteria provided, single submitter. Criteria: ACMG Guidelines, 2015. Collection method: clinical testing. Allele origin: germline.
Comment: This variant is classified as likely benign based on ACMG/AMP sequence variant interpretation guidelines (Richards et al. 2015 PMID: 25741868, with internal and published modifications).